The following is an entry in ClinVar:

NM_000059.4(BRCA2):c.8024T>G (p.Ile2675Arg)

Gene: BRCA2 (BRCA2 DNA repair associated; plus strand). Cytogenetic location: 13q13.1.
Variant type: single nucleotide variant.
Coding change: c.8024T>G on transcript NM_000059.4 (MANE Select); coding-DNA position 8024, T replaced by G.
Protein change: p.Ile2675Arg; replaces isoleucine 2675 with arginine.
Molecular consequence: missense variant.
Genome position (GRCh38, 1-based): chr13:32,363,226, T>G. VCF-style: chr13-32363226-T-G. GRCh37 (hg19) VCF-style: chr13-32937363-T-G.
Other names: c.7928T>G, p.Ile2643Arg (NM_001406719.1); c.8024T>G, p.Ile2675Arg (NM_001406720.1); c.3092T>G, p.Ile1031Arg (NM_001406721.1); c.1607T>G, p.Ile536Arg (NM_001406722.1); short protein forms I1031R, I2675R, I536R, I2643R.
Identifiers: ClinVar variation 2089177 (VCV002089177.4), dbSNP rs2548546222, ClinGen allele CA387748890.

ClinVar aggregate classification (germline): Uncertain significance (1 of 4 stars; one submission).

Conditions:
Hereditary breast ovarian cancer syndrome. Also called: Hereditary breast and ovarian cancer syndrome; Breast and ovarian cancer; BRCA1- and BRCA2-Associated Hereditary Breast and Ovarian Cancer; Hereditary breast and ovarian cancer syndrome (HBOC); Hereditary breast and ovarian cancer; Hereditary breast and/or ovarian cancer syndrome. Identifiers: Orphanet 145, MedGen C0677776, MeSH D061325, MONDO:0003582. Disease mechanism: loss of function.

Submission:

Labcorp Genetics (formerly Invitae), Labcorp
Classification: Uncertain significance for Hereditary breast ovarian cancer syndrome. Last evaluated: 2022-01-23. Review status: criteria provided, single submitter. Criteria: Invitae Variant Classification Sherloc (09022015). Collection method: clinical testing. Allele origin: germline.
Comment: Advanced modeling of protein sequence and biophysical properties (such as structural, functional, and spatial information, amino acid conservation, physicochemical variation, residue mobility, and thermodynamic stability) performed at Invitae indicates that this missense variant is expected to disrupt BRCA2 protein function. In summary, the available evidence is currently insufficient to determine the role of this variant in disease. Therefore, it has been classified as a Variant of Uncertain Significance. This variant has not been reported in the literature in individuals affected with BRCA2-related conditions. This variant is not present in population databases (gnomAD no frequency). This sequence change replaces isoleucine, which is neutral and non-polar, with arginine, which is basic and polar, at codon 2675 of the BRCA2 protein (p.Ile2675Arg).